The following is an entry in ClinVar:

NM_138615.3(DHX30):c.1243C>T (p.Gln415Ter)

Gene: DHX30 (DExH-box helicase 30; plus strand). Cytogenetic location: 3p21.31.
Variant type: single nucleotide variant.
Coding change: c.1243C>T on transcript NM_138615.3 (MANE Select); coding-DNA position 1243, C replaced by T.
Protein change: p.Gln415Ter; replaces glutamine 415 with a stop codon.
Molecular consequence: nonsense.
Genome position (GRCh38, 1-based): chr3:47,846,315, C>T. VCF-style: chr3-47846315-C-T. GRCh37 (hg19) VCF-style: chr3-47887805-C-T.
Other names: c.1159C>T, p.Gln387Ter (NM_001330990.2); c.1126C>T, p.Gln376Ter (NM_014966.4); short protein forms Q376*, Q387*, Q415*.
Identifiers: ClinVar variation 4891257 (VCV004891257.1).

ClinVar aggregate classification (germline): Likely pathogenic (1 of 4 stars; one submission).

Conditions:
Neurodevelopmental disorder with severe motor impairment and absent language. Also called: NEURODEVELOPMENTAL DISORDER WITH VARIABLE MOTOR AND LANGUAGE IMPAIRMENT. Identifiers: Orphanet 647788, MedGen C4540496, MONDO:0060622, OMIM 617804.

Submission:

Clinical Genetics Laboratory, University Hospital Schleswig-Holstein
Classification: Likely pathogenic for Neurodevelopmental disorder with severe motor impairment and absent language. Last evaluated: 2025-10-22. Review status: criteria provided, single submitter. Criteria: ACMG Guidelines, 2015. Collection method: clinical testing. Allele origin: germline. Affected: yes. Observed: 1 heterozygote.
Comment: ACMG criteria applied: PM2, PVS1_Strong